The following is an entry in ClinVar:

NM_000535.7(PMS2):c.1680T>C (p.Cys560=)

Gene: PMS2 (PMS1 homolog 2, mismatch repair system component; minus strand). Cytogenetic location: 7p22.1.
Variant type: single nucleotide variant.
Coding change: c.1680T>C on transcript NM_000535.7 (MANE Select); coding-DNA position 1680, T replaced by C.
Protein change: p.Cys560=; no amino-acid change (cysteine 560 retained).
Molecular consequence: synonymous variant. On other transcripts: non-coding transcript variant (1).
Genome position (GRCh38, 1-based): chr7:5,987,085, A>G on the plus strand (T>C on the coding strand, the complement: PMS2 is on the minus strand). VCF-style: chr7-5987085-A-G. GRCh37 (hg19) VCF-style: chr7-6026716-A-G.
Other names: c.1275T>C, p.Cys425= (NM_001322003.2, NM_001322004.2, NM_001322005.2 and 1 more transcripts); c.1524T>C, p.Cys508= (NM_001322006.2); c.1362T>C, p.Cys454= (NM_001322007.2, NM_001322008.2); c.1119T>C, p.Cys373= (NM_001322010.2); c.747T>C, p.Cys249= (NM_001322011.2, NM_001322012.2); c.1107T>C, p.Cys369= (NM_001322013.2); c.1680T>C, p.Cys560= (NM_001322014.2); c.1371T>C, p.Cys457= (NM_001322015.2).
Identifiers: ClinVar variation 455667 (VCV000455667.24), dbSNP rs752143026, ClinGen allele CA045101.

ClinVar aggregate classification (germline): Benign/Likely benign. Review status: criteria provided, multiple submitters, no conflicts (2 of 4 stars). 6 submissions from 6 submitters: Benign (1); Likely benign (5). Last evaluated 2025-12-01.

Conditions:
Hereditary nonpolyposis colorectal neoplasms. Identifiers: MedGen C0009405, MeSH D003123.
Hereditary cancer-predisposing syndrome. Also called: Hereditary Cancer Syndrome; Hereditary neoplastic syndrome; Neoplastic Syndromes, Hereditary; Tumor predisposition. Identifiers: Orphanet 140162, MedGen C0027672, MeSH D009386, MONDO:0015356.
Lynch syndrome 4 (LYNCH4). Also called: Colorectal cancer, hereditary nonpolyposis, type 4; Hereditary non-polyposis colorectal cancer, type 4. Identifiers: Orphanet 144, MedGen C1838333, MONDO:0013699, OMIM 614337. Disease mechanism: loss of function.

Allele frequency attached by ClinVar (database versions not stated): TOPMed below 0.00001; gnomAD exomes 0.00002; ExAC 0.00004.

Submissions (6):

Labcorp Genetics (formerly Invitae), Labcorp
Classification: Likely benign for Hereditary nonpolyposis colorectal neoplasms. Last evaluated: 2025-12-01. Review status: criteria provided, single submitter. Criteria: Invitae Variant Classification Sherloc (09022015). Collection method: clinical testing. Allele origin: germline.

Myriad Genetics, Inc.
Classification: Benign for Lynch syndrome 4. Last evaluated: 2025-01-31. Review status: criteria provided, single submitter. Criteria: Myriad Autosomal Dominant, Autosomal Recessive and X-Linked Classification Criteria (2023). Collection method: clinical testing. Allele origin: unknown.
Comment: This variant is considered benign. This variant is a silent/synonymous amino acid change and it is not expected to impact splicing.

ARUP Laboratories, Molecular Genetics and Genomics, ARUP Laboratories
Classification: Likely benign. Last evaluated: 2021-04-24. Review status: criteria provided, single submitter. Criteria: ARUP Molecular Germline Variant Investigation Process 2021. Collection method: clinical testing. Allele origin: germline.

Quest Diagnostics Nichols Institute San Juan Capistrano
Classification: Likely benign. Last evaluated: 2019-11-18. Review status: criteria provided, single submitter. Criteria: Quest Diagnostics criteria. Collection method: clinical testing. Allele origin: unknown.

Ambry Genetics
Classification: Likely benign for Hereditary cancer-predisposing syndrome. Last evaluated: 2019-06-18. Review status: criteria provided, single submitter. Criteria: Ambry Variant Classification Scheme 2023. Collection method: clinical testing. Allele origin: germline.

Color Diagnostics, LLC DBA Color Health
Classification: Likely benign for Hereditary cancer-predisposing syndrome. Last evaluated: 2018-12-14. Review status: criteria provided, single submitter. Criteria: ACMG Guidelines, 2015. Collection method: clinical testing. Allele origin: germline.